The following is an entry in ClinVar:

NM_006282.5(STK4):c.47A>G (p.Lys16Arg)

Gene: STK4 (serine/threonine kinase 4; plus strand). Cytogenetic location: 20q13.12.
Variant type: single nucleotide variant.
Coding change: c.47A>G on transcript NM_006282.5 (MANE Select); coding-DNA position 47, A replaced by G.
Protein change: p.Lys16Arg; replaces lysine 16 with arginine.
Molecular consequence: missense variant. On other transcripts: non-coding transcript variant (2).
Genome position (GRCh38, 1-based): chr20:44,972,089, A>G. VCF-style: chr20-44972089-A-G. GRCh37 (hg19) VCF-style: chr20-43600730-A-G.
Other names: c.47A>G, p.Lys16Arg (NM_001352385.2); short protein forms K16R.
Identifiers: ClinVar variation 652491 (VCV000652491.7), dbSNP rs142594802, ClinGen allele CA9873707.

ClinVar aggregate classification (germline): Uncertain significance (1 of 4 stars; one submission).

Conditions:
Combined immunodeficiency due to STK4 deficiency (IMD110). Also called: STK4 DEFICIENCY; MST1 DEFICIENCY; T-cell immunodeficiency, recurrent infections, and autoimmunity with or without cardiac malformations. Identifiers: Orphanet 314689, MedGen C3553943, MONDO:0013934, OMIM 614868.

Allele frequency attached by ClinVar (database versions not stated): gnomAD exomes 0.00004 and 0.00020; ExAC 0.00021; gnomAD 0.00052; TOPMed 0.00055; ESP Exome Variant Server 0.00077; 1000 Genomes Project 30x 0.00109; 1000 Genomes Project 0.00120.
gnomAD v4.1: 139 of 1,613,794 alleles (0.0086%); highest among the groups gnomAD compares: African/African-American, 0.15%; no homozygotes.

Submissions (2):

Labcorp Genetics (formerly Invitae), Labcorp
Classification: Uncertain significance for Combined immunodeficiency due to STK4 deficiency. Last evaluated: 2022-09-13. Review status: criteria provided, single submitter. Criteria: Invitae Variant Classification Sherloc (09022015). Collection method: clinical testing. Allele origin: germline.
Comment: This sequence change replaces lysine, which is basic and polar, with arginine, which is basic and polar, at codon 16 of the STK4 protein (p.Lys16Arg). This variant is present in population databases (rs142594802, gnomAD 0.2%). This missense change has been observed in individual(s) with clinical features of STK4-related conditions (Invitae). ClinVar contains an entry for this variant (Variation ID: 652491). Advanced modeling of protein sequence and biophysical properties (such as structural, functional, and spatial information, amino acid conservation, physicochemical variation, residue mobility, and thermodynamic stability) performed at Invitae indicates that this missense variant is expected to disrupt STK4 protein function. In summary, the available evidence is currently insufficient to determine the role of this variant in disease. Therefore, it has been classified as a Variant of Uncertain Significance.

Dr. Peter K. Rogan Lab, Western University
No classification provided (evidence only). Condition: Malignant tumor of urinary bladder. Review status: no classification provided. Collection method: in vitro. Allele origin: not applicable. Functional consequence: retained intron. Not counted in ClinVar's aggregate classification.